The following is an entry in ClinVar:

ClinVar aggregate classification (germline): Benign. Review status: criteria provided, multiple submitters, no conflicts (2 of 4 stars). 2 submissions from 2 submitters: Benign (2). Last evaluated 2018-01-12.

Conditions:
Brain small vessel disease 2A, autosomal dominant. Also called: Porencephaly 2. Identifiers: Orphanet 2940, Orphanet 99810, MedGen C3280970, MONDO:0013773, OMIM 614483.

Allele frequency attached by ClinVar (database versions not stated): 1000 Genomes Project 0.33706; 1000 Genomes Project 30x 0.34041; TOPMed 0.40396; gnomAD 0.40578 and 0.40859; gnomAD exomes 0.47817.
gnomAD v4.1: 63,262 of 155,224 alleles (41%); highest among the groups gnomAD compares: Non-Finnish European, 46%; 13,259 homozygotes.

Submissions (6):

Illumina Laboratory Services, Illumina
Classification: Benign for Brain small vessel disease 2A, autosomal dominant. Last evaluated: 2018-01-12. Review status: criteria provided, single submitter. Criteria: ICSL Variant Classification Criteria 13 December 2019. Collection method: clinical testing. Allele origin: germline.
Comment: This variant was observed in the ICSL laboratory as part of a predisposition screen in an ostensibly healthy population. It had not been previously curated by ICSL or reported in the Human Gene Mutation Database (HGMD: prior to June 1st, 2018), and was therefore a candidate for classification through an automated scoring system. Utilizing variant allele frequency, disease prevalence and penetrance estimates, and inheritance mode, an automated score was calculated to assess if this variant is too frequent to cause the disease. Based on the score and internal cut-off values, a variant classified as benign is not then subjected to further curation. The score for this variant resulted in a classification of benign for this disease.

Breakthrough Genomics
Classification: Benign. Review status: criteria provided, single submitter. Criteria: ACMG Guidelines, 2015. Collection method: not provided. Allele origin: germline. Inheritance: Autosomal dominant inheritance. Affected: yes.

Dr. Peter K. Rogan Lab, Western University
No classification provided (evidence only). Condition: Lung cancer. Review status: no classification provided. Collection method: in vitro. Allele origin: not applicable. Functional consequence: retained intron. Not counted in ClinVar's aggregate classification.

Dr. Peter K. Rogan Lab, Western University
No classification provided (evidence only). Condition: Uterine corpus endometrial carcinoma. Review status: no classification provided. Collection method: in vitro. Allele origin: not applicable. Functional consequence: retained intron. Not counted in ClinVar's aggregate classification.

Dr. Peter K. Rogan Lab, Western University
No classification provided (evidence only). Condition: Malignant tumor of esophagus. Review status: no classification provided. Collection method: in vitro. Allele origin: not applicable. Functional consequence: retained intron. Not counted in ClinVar's aggregate classification.

Dr. Peter K. Rogan Lab, Western University
No classification provided (evidence only). Condition: Malignant tumor of esophagus. Review status: no classification provided. Collection method: in vitro. Allele origin: not applicable. Functional consequence: retained intron. Not counted in ClinVar's aggregate classification.

NM_001846.4(COL4A2):c.*557A>G

Gene: COL4A2 (collagen type IV alpha 2 chain; plus strand). Cytogenetic location: 13q34.
Variant type: single nucleotide variant.
Coding change: c.*557A>G on transcript NM_001846.4 (MANE Select); 557 bases downstream of the stop codon, A replaced by G.
Molecular consequence: 3 prime UTR variant.
Genome position (GRCh38, 1-based): chr13:110,512,748, A>G. VCF-style: chr13-110512748-A-G. GRCh37 (hg19) VCF-style: chr13-111165095-A-G.
Other names: NC_000013.10:g.111165095A>G.
Identifiers: ClinVar variation 311209 (VCV000311209.7), dbSNP rs1049931, ClinGen allele CA10633914.
Genomic context (GRCh38, chr13:110,512,748, plus strand): 5'-GTTCTCCCAAATACCGTTGATGTGAATTATTTTAAAGGCAAAACCGTGCTCTTTATTTTA[A>G]AAAACACTGATAATCACACTGCGGTAGGTCATTCTTTTGCCACATCCCTATAGACCACTG-3'